The following is an entry in ClinVar:

ClinVar aggregate classification (germline): Likely benign (1 of 4 stars; one submission).

Conditions:
TMEM67-related disorder. Also called: TMEM67-related condition; TMEM67-related disorders. Identifiers: MedGen CN239423.

Submission:

PreventionGenetics, part of Exact Sciences
Classification: Likely benign for TMEM67-related condition. Last evaluated: 2026-07-27. Review status: criteria provided, single submitter. Criteria: ACMG Guidelines, 2015. Collection method: clinical testing. Allele origin: germline.
Comment: This variant is classified as likely benign based on ACMG/AMP sequence variant interpretation guidelines (Richards et al. 2015 PMID: 25741868, with internal and published modifications).

NM_153704.6(TMEM67):c.224-3T>A

Gene: TMEM67 (transmembrane protein 67; plus strand). Cytogenetic location: 8q22.1.
Variant type: single nucleotide variant.
Coding change: c.224-3T>A on transcript NM_153704.6 (MANE Select); 3 bases into the intron before coding-DNA position 224, T replaced by A.
Molecular consequence: intron variant.
Genome position (GRCh38, 1-based): chr8:93,755,775, T>A. VCF-style: chr8-93755775-T-A. GRCh37 (hg19) VCF-style: chr8-94768003-T-A.
Other names: c.-62+638T>A (NM_001142301.1).
Identifiers: ClinVar variation 4980370 (VCV004980370.1).